The following is an entry in ClinVar:

NM_020376.4(PNPLA2):c.757+1G>T

Gene: PNPLA2 (patatin like domain 2, triacylglycerol lipase; plus strand). Cytogenetic location: 11p15.5.
Variant type: single nucleotide variant.
Coding change: c.757+1G>T on transcript NM_020376.4 (MANE Select); the canonical splice donor site of the intron after coding-DNA position 757, G replaced by T.
Molecular consequence: splice donor variant.
Genome position (GRCh38, 1-based): chr11:823,588, G>T. VCF-style: chr11-823588-G-T. GRCh37 (hg19) VCF-style: chr11-823588-G-T.
Other names: IVS6DS, G-T, +1.
Identifiers: ClinVar variation 39867 (VCV000039867.16), dbSNP rs869320738, ClinGen allele CA358599.

ClinVar aggregate classification (germline): Pathogenic. Review status: criteria provided, multiple submitters, no conflicts (2 of 4 stars). 5 submissions from 5 submitters: Pathogenic (4). 1 of the submissions does not count toward it. Last evaluated 2025-05-30.

Conditions:
Neutral lipid storage myopathy (NLSDM). Also called: NEUTRAL LIPID STORAGE DISEASE WITHOUT ICHTHYOSIS. Identifiers: Orphanet 98908, MedGen C1853136, MONDO:0012545, OMIM 610717.

Allele frequency attached by ClinVar (database versions not stated): gnomAD exomes below 0.00001.
gnomAD v4.1: 3 of 1,610,228 alleles (0.00019%); highest among the groups gnomAD compares: East Asian, 0.0045%; no homozygotes.

Submissions (5):

Labcorp Genetics (formerly Invitae), Labcorp
Classification: Pathogenic for Neutral lipid storage myopathy. Last evaluated: 2025-05-30. Review status: criteria provided, single submitter. Criteria: Invitae Variant Classification Sherloc (09022015). Collection method: clinical testing. Allele origin: germline.
Comment: This sequence change affects a donor splice site in intron 6 of the PNPLA2 gene. It is expected to disrupt RNA splicing. Variants that disrupt the donor or acceptor splice site typically lead to a loss of protein function (PMID: 16199547), and loss-of-function variants in PNPLA2 are known to be pathogenic (PMID: 17187067). This variant is present in population databases (no rsID available, gnomAD 0.006%). Disruption of this splice site has been observed in individual(s) with neutral lipid storage disease with myopathy (NLSDM) (PMID: 22832386). ClinVar contains an entry for this variant (Variation ID: 39867). Studies have shown that disruption of this splice site alters PNPLA2 gene expression (PMID: 22832386). Algorithms developed to predict the effect of sequence changes on RNA splicing suggest that this variant may disrupt the consensus splice site. For these reasons, this variant has been classified as Pathogenic.

Revvity Omics, Revvity
Classification: Pathogenic for Neutral lipid storage myopathy. Last evaluated: 2019-09-03. Review status: criteria provided, single submitter. Criteria: ACMG Guidelines, 2015. Collection method: clinical testing. Allele origin: germline.

Molecular Diagnostics Laboratory, M Health Fairview: University of Minnesota
Classification: Pathogenic for Neutral lipid storage myopathy. Last evaluated: 2017-06-30. Review status: criteria provided, single submitter. Criteria: ACMG Guidelines, 2015. Collection method: clinical testing. Allele origin: germline. Affected: yes. Observed: 1 variant allele.

Juno Genomics, Hangzhou Juno Genomics, Inc
Classification: Pathogenic for Neutral lipid storage myopathy. Review status: criteria provided, single submitter. Criteria: ACMG Guidelines, 2015. Collection method: clinical testing. Allele origin: germline. Affected: yes.
Comment: Absent from controls (or at extremely low frequency if recessive) in Genome Aggregation Database, Exome Sequencing Project, 1000 Genomes Project, or Exome Aggregation Consortium.;Null variant in a gene where loss of function (LOF) is a known mechanism of disease.;For recessive disorders, detected in trans with a pathogenic variant.;Patient's phenotype or family history is highly specific for a disease with a single genetic etiology.

OMIM
Classification: Pathogenic for NEUTRAL LIPID STORAGE DISEASE WITH MYOPATHY. Last evaluated: 2012-10-01. Review status: no assertion criteria provided. Collection method: literature only. Allele origin: germline. Not counted in ClinVar's aggregate classification.

Literature cited by the submitters: PubMed 16199547 (cited by Labcorp Genetics (formerly Invitae), Labcorp); PubMed 17187067 (cited by Labcorp Genetics (formerly Invitae), Labcorp and Molecular Diagnostics Laboratory, M Health Fairview: University of Minnesota); PubMed 22832386 (cited by 3 submitters); PubMed 28499397 (cited by Molecular Diagnostics Laboratory, M Health Fairview: University of Minnesota).